The following is an entry in ClinVar:

ClinVar aggregate classification (germline): Likely benign (0 of 4 stars; one submission).

Conditions:
HIRA-related disorder.

Submission:

PreventionGenetics, part of Exact Sciences
Classification: Likely benign for HIRA-related condition. Last evaluated: 2019-06-28. Review status: no assertion criteria provided. Collection method: clinical testing. Allele origin: germline.
Comment: This variant is classified as likely benign based on ACMG/AMP sequence variant interpretation guidelines (Richards et al. 2015 PMID: 25741868, with internal and published modifications).

NM_003325.4(HIRA):c.38-12_38-10del

Gene: HIRA (histone cell cycle regulator; minus strand). Cytogenetic location: 22q11.21.
Variant type: Deletion.
Coding change: c.38-12_38-10del on transcript NM_003325.4 (MANE Select); 12 bases into the intron before coding-DNA position 38 through 10 bases into the intron before coding-DNA position 38, 3 bases deleted (CTT; older notation c.38-12_38-10delCTT).
Molecular consequence: intron variant.
Genome position (GRCh38, 1-based): chr22:19,410,788-19,410,790, AAG deleted on the plus strand (CTT on the coding strand, the reverse complement: HIRA is on the minus strand); deleting any 3 consecutive bases within chr22:19,410,788-19,410,792 gives the same sequence; the c. name uses the placement nearest the transcript's 3' end. VCF-style (leftmost placement, unchanged base first): chr22-19410787-AAAG-A. GRCh37 (hg19) VCF-style: chr22-19398310-AAAG-A.
Identifiers: ClinVar variation 3042640 (VCV003042640.2), dbSNP rs757021191, ClinGen allele CA10100036.